The following is an entry in ClinVar:

NM_000143.4(FH):c.792T>C (p.Ala264=)

Gene: FH (fumarate hydratase; minus strand). Cytogenetic location: 1q43.
Variant type: single nucleotide variant.
Coding change: c.792T>C on transcript NM_000143.4 (MANE Select); coding-DNA position 792, T replaced by C.
Protein change: p.Ala264=; no amino-acid change (alanine 264 retained).
Molecular consequence: synonymous variant.
Genome position (GRCh38, 1-based): chr1:241,506,115, A>G on the plus strand (T>C on the coding strand, the complement: FH is on the minus strand). VCF-style: chr1-241506115-A-G. GRCh37 (hg19) VCF-style: chr1-241669415-A-G.
Identifiers: ClinVar variation 827340 (VCV000827340.13), dbSNP rs368234566, ClinGen allele CA1478605.
Genomic context (GRCh38, chr1:241,506,115, plus strand): 5'-ATTTAAACCTGTACCAACAGCAGTGCCTCCAGCTGCGAGCTCATAGATTCTTGGCATGGC[A>G]GCTTTTATTCTTGTCATTGCATATTTTACTTGTTGAACATAACCACTAAATTCCTGAAAA-3'
Protein context (NP_000134.2, residues 254-274): QVKYAMTRIK[Ala264=]AMPRIYELAA

ClinVar aggregate classification (germline): Benign/Likely benign. Review status: criteria provided, multiple submitters, no conflicts (2 of 4 stars). 3 submissions from 3 submitters: Benign (1); Likely benign (2). Last evaluated 2024-12-12.

Conditions:
Hereditary cancer-predisposing syndrome. Also called: Neoplastic Syndromes, Hereditary; Tumor predisposition; Hereditary Cancer Syndrome; Hereditary neoplastic syndrome. Identifiers: Orphanet 140162, MedGen C0027672, MeSH D009386, MONDO:0015356.
Hereditary leiomyomatosis and renal cell cancer. Also called: FH tumor predisposition syndrome; LEIOMYOMA, MULTIPLE CUTANEOUS; MULTIPLE CUTANEOUS AND UTERINE LEIOMYOMATA 1, WITH OR WITHOUT RENAL CELL CARCINOMA; Reed syndrome; Multiple cutaneous and uterine leiomyomatosis; Cutaneous leiomyomata with uterine leiomyomata. Identifiers: Orphanet 523, MedGen C1708350, MONDO:0007888, OMIM 150800, HP:0007437. Disease mechanism: loss of function.

Allele frequency attached by ClinVar (database versions not stated): ESP Exome Variant Server 0.00008; gnomAD exomes below 0.00001; TOPMed below 0.00001; ExAC 0.00001; gnomAD 0.00001.
gnomAD v4.1: 1 of 1,613,900 alleles (0.000062%); highest among the groups gnomAD compares: African/African-American, 0.0013%; no homozygotes.

Submissions (3):

Labcorp Genetics (formerly Invitae), Labcorp
Classification: Likely benign. Last evaluated: 2024-12-12. Review status: criteria provided, single submitter. Criteria: Invitae Variant Classification Sherloc (09022015). Collection method: clinical testing. Allele origin: germline.

Myriad Genetics, Inc.
Classification: Benign for Hereditary leiomyomatosis and renal cell cancer. Last evaluated: 2024-10-18. Review status: criteria provided, single submitter. Criteria: Myriad Autosomal Dominant, Autosomal Recessive and X-Linked Classification Criteria (2023). Collection method: clinical testing. Allele origin: unknown.
Comment: This variant is considered benign. This variant is a silent/synonymous amino acid change and it is not expected to impact splicing.

Ambry Genetics
Classification: Likely benign for Hereditary cancer-predisposing syndrome. Last evaluated: 2018-02-27. Review status: criteria provided, single submitter. Criteria: Ambry Variant Classification Scheme 2023. Collection method: clinical testing. Allele origin: germline.